The following is an entry in ClinVar:

ClinVar aggregate classification (germline): Pathogenic (1 of 4 stars; one submission).

Submission:

GeneDx
Classification: Pathogenic. Last evaluated: 2019-09-30. Review status: criteria provided, single submitter. Criteria: GeneDx Variant Classification Process June 2021. Collection method: clinical testing. Allele origin: germline. Affected: yes.
Comment: Nonsense variant predicted to result in protein truncation or nonsense mediated decay in a gene for which loss-of-function is a known mechanism of disease; Not observed in large population cohorts (Lek et al., 2016); Has not been previously published as pathogenic or benign to our knowledge

NM_014795.4(ZEB2):c.997A>T (p.Lys333Ter)

Gene: ZEB2 (zinc finger E-box binding homeobox 2; minus strand). Cytogenetic location: 2q22.3.
Variant type: single nucleotide variant.
Coding change: c.997A>T on transcript NM_014795.4 (MANE Select); coding-DNA position 997, A replaced by T.
Protein change: p.Lys333Ter; replaces lysine 333 with a stop codon.
Molecular consequence: nonsense.
Genome position (GRCh38, 1-based): chr2:144,400,190, T>A on the plus strand (A>T on the coding strand, the complement: ZEB2 is on the minus strand). VCF-style: chr2-144400190-T-A. GRCh37 (hg19) VCF-style: chr2-145157757-T-A.
Other names: c.925A>T, p.Lys309Ter (NM_001171653.2); short protein forms K333*, K309*.
Identifiers: ClinVar variation 451129 (VCV000451129.4), dbSNP rs1553961777, ClinGen allele CA348713189.